The following is an entry in ClinVar:

ClinVar aggregate classification (germline): Uncertain significance (1 of 4 stars; one submission).

Conditions:
Atrial fibrillation, familial, 7 (ATFB7). Identifiers: MedGen C2677106, MONDO:0012828, OMIM 612240.

Submission:

Labcorp Genetics (formerly Invitae), Labcorp
Classification: Uncertain significance for Atrial fibrillation, familial, 7. Last evaluated: 2021-10-16. Review status: criteria provided, single submitter. Criteria: Invitae Variant Classification Sherloc (09022015). Collection method: clinical testing. Allele origin: germline.
Comment: In summary, the available evidence is currently insufficient to determine the role of this variant in disease. Therefore, it has been classified as a Variant of Uncertain Significance. Algorithms developed to predict the effect of missense changes on protein structure and function are either unavailable or do not agree on the potential impact of this missense change (SIFT: "Deleterious"; PolyPhen-2: "Probably Damaging"; Align-GVGD: "Class C0"). This variant has not been reported in the literature in individuals affected with KCNA5-related conditions. This variant is not present in population databases (ExAC no frequency). This sequence change replaces arginine with histidine at codon 121 of the KCNA5 protein (p.Arg121His). The arginine residue is moderately conserved and there is a small physicochemical difference between arginine and histidine.

NM_002234.4(KCNA5):c.362G>A (p.Arg121His)

Gene: KCNA5 (potassium voltage-gated channel subfamily A member 5; plus strand). Cytogenetic location: 12p13.32.
Variant type: single nucleotide variant.
Coding change: c.362G>A on transcript NM_002234.4 (MANE Select); coding-DNA position 362, G replaced by A.
Protein change: p.Arg121His; replaces arginine 121 with histidine.
Molecular consequence: missense variant.
Genome position (GRCh38, 1-based): chr12:5,044,509, G>A. VCF-style: chr12-5044509-G-A. GRCh37 (hg19) VCF-style: chr12-5153675-G-A.
Other names: short protein forms R121H.
Identifiers: ClinVar variation 1477961 (VCV001477961.6), dbSNP rs1862747330, ClinGen allele CA383464188.